The following is an entry in ClinVar:

NM_000038.6(APC):c.1918C>T (p.Arg640Trp)

Gene: APC (APC regulator of Wnt signaling pathway; plus strand). Cytogenetic location: 5q22.2.
Variant type: single nucleotide variant.
Coding change: c.1918C>T on transcript NM_000038.6 (MANE Select); coding-DNA position 1918, C replaced by T.
Protein change: p.Arg640Trp; replaces arginine 640 with tryptophan.
Molecular consequence: missense variant.
Genome position (GRCh38, 1-based): chr5:112,835,125, C>T. VCF-style: chr5-112835125-C-T. GRCh37 (hg19) VCF-style: chr5-112170822-C-T.
Other names: c.1918C>T, p.Arg640Trp (NM_001127510.3, NM_001354895.2); c.1864C>T, p.Arg622Trp (NM_001127511.3); c.1972C>T, p.Arg658Trp (NM_001354896.2); c.1948C>T, p.Arg650Trp (NM_001354897.2); c.1843C>T, p.Arg615Trp (NM_001354898.2); c.1834C>T, p.Arg612Trp (NM_001354899.2); c.1795C>T, p.Arg599Trp (NM_001354900.2); c.1741C>T, p.Arg581Trp (NM_001354901.2); and 5 more; short protein forms R622W, R640W, R357W, R480W, R514W, R612W, R539W, R549W.
Identifiers: ClinVar variation 428132 (VCV000428132.18), dbSNP rs1114167575, ClinGen allele CA16025509.

ClinVar aggregate classification (germline): Uncertain significance. Review status: criteria provided, multiple submitters, no conflicts (2 of 4 stars). 3 submissions from 3 submitters: Uncertain significance (3). Last evaluated 2024-12-12.

Conditions:
Hereditary cancer-predisposing syndrome. Also called: Hereditary Cancer Syndrome; Neoplastic Syndromes, Hereditary; Hereditary neoplastic syndrome; Tumor predisposition. Identifiers: Orphanet 140162, MedGen C0027672, MeSH D009386, MONDO:0015356.
Familial adenomatous polyposis 1 (FAP1). Also called: FAMILIAL ADENOMATOUS POLYPOSIS 1, ATTENUATED; POLYPOSIS, ADENOMATOUS INTESTINAL. Identifiers: MedGen C2713442, MONDO:0021056, OMIM 175100. Disease mechanism: loss of function.
Classic or attenuated familial adenomatous polyposis. Identifiers: MedGen CN372698, MONDO:0021057.

Submissions (3):

Labcorp Genetics (formerly Invitae), Labcorp
Classification: Uncertain significance for Familial adenomatous polyposis 1. Last evaluated: 2024-12-12. Review status: criteria provided, single submitter. Criteria: Invitae Variant Classification Sherloc (09022015). Collection method: clinical testing. Allele origin: germline.
Comment: This sequence change replaces arginine, which is basic and polar, with tryptophan, which is neutral and slightly polar, at codon 640 of the APC protein (p.Arg640Trp). This variant is not present in population databases (gnomAD no frequency). This variant has not been reported in the literature in individuals affected with APC-related conditions. ClinVar contains an entry for this variant (Variation ID: 428132). Invitae Evidence Modeling of protein sequence and biophysical properties (such as structural, functional, and spatial information, amino acid conservation, physicochemical variation, residue mobility, and thermodynamic stability) indicates that this missense variant is not expected to disrupt APC protein function with a negative predictive value of 95%. In summary, the available evidence is currently insufficient to determine the role of this variant in disease. Therefore, it has been classified as a Variant of Uncertain Significance.

Ambry Genetics
Classification: Uncertain significance for Hereditary cancer-predisposing syndrome. Last evaluated: 2023-03-10. Review status: criteria provided, single submitter. Criteria: Ambry Variant Classification Scheme 2023. Collection method: clinical testing. Allele origin: germline.
Comment: The p.R640W variant (also known as c.1918C>T), located in coding exon 14 of the APC gene, results from a C to T substitution at nucleotide position 1918. The arginine at codon 640 is replaced by tryptophan, an amino acid with dissimilar properties. This alteration has been observed in at least one individual with a personal and/or family history that is consistent with APC-related disease (Ambry internal data). This amino acid position is highly conserved in available vertebrate species. In addition, in silico predictors for this gene do not accurately predict pathogenicity. RNA studies investigating a potential impact on splicing are insufficient at this time. Since supporting evidence is limited at this time, the clinical significance of this alteration remains unclear.

Department of Pathology and Laboratory Medicine, Sinai Health System
Classification: Uncertain significance for classic or attenuated familial adenomatous polyposis. Last evaluated: 2021-03-17. Review status: criteria provided, single submitter. Criteria: ACMG Guidelines, 2015. Collection method: clinical testing. Allele origin: germline. Affected: yes.

Literature cited by the submitters: PubMed 19111562 (cited by Ambry Genetics and Department of Pathology and Laboratory Medicine, Sinai Health System); PubMed 23348723 (cited by Ambry Genetics); PubMed 24755471 (cited by Ambry Genetics); PubMed 27282352 (cited by Ambry Genetics).